The following is an entry in ClinVar:

ClinVar aggregate classification (germline): Uncertain significance (1 of 4 stars; one submission).

Submission:

Labcorp Genetics (formerly Invitae), Labcorp
Classification: Uncertain significance. Last evaluated: 2024-12-24. Review status: criteria provided, single submitter. Criteria: Invitae Variant Classification Sherloc (09022015). Collection method: clinical testing. Allele origin: germline.
Comment: This sequence change falls in intron 27 of the NEDD4L gene. It does not directly change the encoded amino acid sequence of the NEDD4L protein. Information on the frequency of this variant in the gnomAD database is not available, as this variant may be reported differently in the database. This variant has not been reported in the literature in individuals affected with NEDD4L-related conditions. Experimental studies and prediction algorithms are not available or were not evaluated, and the effect of this variant on mRNA splicing is currently unknown. In summary, the available evidence is currently insufficient to determine the role of this variant in disease. Therefore, it has been classified as a Variant of Uncertain Significance.

NM_001144967.3(NEDD4L):c.2656-9_2656-8delinsGT

Gene: NEDD4L (NEDD4 like E3 ubiquitin protein ligase; plus strand). Cytogenetic location: 18q21.31.
Variant type: Indel.
Coding change: c.2656-9_2656-8delinsGT on transcript NM_001144967.3 (MANE Select); 9 bases into the intron before coding-DNA position 2656 through 8 bases into the intron before coding-DNA position 2656, TG replaced by GT.
Molecular consequence: intron variant.
Genome position (GRCh38, 1-based): chr18:58,390,637-58,390,638, TG replaced by GT. VCF-style: chr18-58390637-TG-GT. GRCh37 (hg19) VCF-style: chr18-56057869-TG-GT.
Other names: c.2233-9_2233-8delinsGT (NM_001144970.3, NM_001144971.2); c.2293-9_2293-8delinsGT (NM_001144966.3, NM_001144964.1, NM_001144965.2); c.2596-9_2596-8delinsGT (NM_015277.6); c.2464-9_2464-8delinsGT (NM_001243960.2); c.2632-9_2632-8delinsGT (NM_001144968.2); c.2572-9_2572-8delinsGT (NM_001144969.2).
Identifiers: ClinVar variation 3727956 (VCV003727956.2).
Genomic context (GRCh38, chr18:58,390,637, plus strand): 5'-GCCTGCATGACAGCAGCATGTGCCATGGGTCACGTGGGGGGTATAATGACCTTCTGCCTC[TG>GT]TTCATAGGCTGTGCTACTCATGGACGCCGAAAAGCGTATCCGGTTACTGCAGTTTGTCAC-3'